The following is an entry in ClinVar:

ClinVar aggregate classification (germline): Uncertain significance (1 of 4 stars; one submission).

Submission:

Labcorp Genetics (formerly Invitae), Labcorp
Classification: Uncertain significance. Last evaluated: 2025-06-03. Review status: criteria provided, single submitter. Criteria: Invitae Variant Classification Sherloc (09022015). Collection method: clinical testing. Allele origin: germline.
Comment: This sequence change replaces glutamine, which is neutral and polar, with glutamic acid, which is acidic and polar, at codon 2733 of the SRCAP protein (p.Gln2733Glu). This variant is not present in population databases (gnomAD no frequency). This variant has not been reported in the literature in individuals affected with SRCAP-related conditions. ClinVar contains an entry for this variant (Variation ID: 3711330). Invitae Evidence Modeling of protein sequence and biophysical properties (such as structural, functional, and spatial information, amino acid conservation, physicochemical variation, residue mobility, and thermodynamic stability) indicates that this missense variant is not expected to disrupt SRCAP protein function with a negative predictive value of 80%. In summary, the available evidence is currently insufficient to determine the role of this variant in disease. Therefore, it has been classified as a Variant of Uncertain Significance.

NM_006662.3(SRCAP):c.8197C>G (p.Gln2733Glu)

Gene: SRCAP (Snf2 related CREBBP activator protein; plus strand). Cytogenetic location: 16p11.2.
Variant type: single nucleotide variant.
Coding change: c.8197C>G on transcript NM_006662.3 (MANE Select); coding-DNA position 8197, C replaced by G.
Protein change: p.Gln2733Glu; replaces glutamine 2733 with glutamic acid.
Molecular consequence: missense variant.
Genome position (GRCh38, 1-based): chr16:30,738,237, C>G. VCF-style: chr16-30738237-C-G. GRCh37 (hg19) VCF-style: chr16-30749558-C-G.
Other names: short protein forms Q2733E.
Identifiers: ClinVar variation 3711330 (VCV003711330.2).